The following is an entry in ClinVar:

ClinVar aggregate classification (germline): Pathogenic/Likely pathogenic. Review status: criteria provided, multiple submitters, no conflicts (2 of 4 stars). 8 submissions from 8 submitters: Pathogenic (6); Likely pathogenic (2). Last evaluated 2025-05-18.

Conditions:
Cardiovascular phenotype. Identifiers: MedGen CN230736.
Hereditary cancer-predisposing syndrome. Also called: Hereditary neoplastic syndrome; Neoplastic Syndromes, Hereditary; Hereditary Cancer Syndrome; Tumor predisposition. Identifiers: Orphanet 140162, MedGen C0027672, MeSH D009386, MONDO:0015356.
NF1-related disorder. Also called: NF1-related condition. Identifiers: MedGen CN379171.
Neurofibromatosis, type 1 (NF1). Also called: Neurofibromatosis, type I; Peripheral type neurofibromatosis; NEUROFIBROMATOSIS, TYPE I, SOMATIC; VON RECKLINGHAUSEN DISEASE. Identifiers: Orphanet 636, MedGen C0027831, MONDO:0018975, OMIM 162200. Disease mechanism: loss of function.

gnomAD v4.1: 1 of 1,613,808 alleles (0.000062%); highest among the groups gnomAD compares: Non-Finnish European, 0.000085%; no homozygotes.

Submissions (8):

Labcorp Genetics (formerly Invitae), Labcorp
Classification: Pathogenic for Neurofibromatosis, type 1. Last evaluated: 2025-05-18. Review status: criteria provided, single submitter. Criteria: Invitae Variant Classification Sherloc (09022015). Collection method: clinical testing. Allele origin: germline.
Comment: This sequence change affects a donor splice site in intron 30 of the NF1 gene. It is expected to disrupt RNA splicing. Variants that disrupt the donor or acceptor splice site typically lead to a loss of protein function (PMID: 16199547), and loss-of-function variants in NF1 are known to be pathogenic (PMID: 10712197, 23913538). This variant is not present in population databases (gnomAD no frequency). Disruption of this splice site has been observed in individual(s) with neurofibromatosis type 1 (NF1) (PMID: 9003501, 10712197, 29673180). Invitae Evidence Modeling of clinical and family history, age, sex, and reported ancestry of multiple individuals with this NF1 variant has been performed. This variant is expected to be pathogenic with a positive predictive value of at least 99%. This is a validated machine learning model that incorporates the clinical features of 1,785,918 individuals referred to our laboratory for NF1 testing. ClinVar contains an entry for this variant (Variation ID: 582401). Algorithms developed to predict the effect of sequence changes on RNA splicing suggest that this variant may disrupt the consensus splice site. For these reasons, this variant has been classified as Pathogenic.

NHS Central & South Genomic Laboratory Hub
Classification: Pathogenic for Neurofibromatosis type 1. Last evaluated: 2025-04-09. Review status: criteria provided, single submitter. Criteria: ACMG Guidelines, 2015. Collection method: clinical testing. Allele origin: germline. Affected: yes.

GeneDx
Classification: Pathogenic. Last evaluated: 2025-03-09. Review status: criteria provided, single submitter. Criteria: GeneDx Variant Classification Process June 2021. Collection method: clinical testing. Allele origin: germline. Affected: yes.
Comment: Canonical splice site variant predicted to result in a null allele in a gene for which loss of function is a known mechanism of disease; Not observed at significant frequency in large population cohorts (gnomAD); Also known as IVS23.2+1G>T; This variant is associated with the following publications: (PMID: 29673180, 23913538, 10712197, 9003501, 31121919, 33767727, 37945316)

Ambry Genetics
Classification: Likely pathogenic for Cardiovascular phenotype; Hereditary cancer-predisposing syndrome. Last evaluated: 2024-07-01. Review status: criteria provided, single submitter. Criteria: Ambry Variant Classification Scheme 2023. Collection method: clinical testing. Allele origin: germline.
Comment: The c.4110+1G>T intronic variant results from a G to T substitution one nucleotide after coding exon 30 of the NF1 gene. This nucleotide position is highly conserved in available vertebrate species. In silico splice site analysis predicts that this alteration will weaken the native splice donor site; however, direct evidence is insufficient at this time (Ambry internal data). This variant has been observed in at least one individual with a personal and/or family history that is consistent with Neurofibromatosis Type 1 (Ambry internal data). Alterations that disrupt the canonical splice site are expected to cause aberrant splicing, resulting in an abnormal protein or a transcript that is subject to nonsense-mediated mRNA decay. As such, this alteration is classified as likely pathogenic.

Genome-Nilou Lab
Classification: Pathogenic for Neurofibromatosis, type 1. Last evaluated: 2022-03-15. Review status: criteria provided, single submitter. Criteria: ACMG Guidelines, 2015. Collection method: clinical testing. Allele origin: germline. Affected: no.

Revvity Omics, Revvity
Classification: Likely pathogenic. Last evaluated: 2021-10-05. Review status: criteria provided, single submitter. Criteria: ACMG Guidelines, 2015. Collection method: clinical testing. Allele origin: germline.

Blueprint Genetics
Classification: Pathogenic for NF1-related disorders. Last evaluated: 2020-09-24. Review status: criteria provided, single submitter. Criteria: ACMG Guidelines, 2015. Collection method: clinical testing. Allele origin: germline. Affected: yes. Observed: 2 variant alleles.

Clinical Molecular Genetics Laboratory, Johns Hopkins All Children's Hospital
Classification: Pathogenic for Neurofibromatosis, type 1. Last evaluated: 2019-08-09. Review status: criteria provided, single submitter. Criteria: ACMG Guidelines, 2015. Collection method: clinical testing. Allele origin: germline. Inheritance: Autosomal dominant inheritance. Affected: yes. Observed: 1 heterozygote.

Literature cited by the submitters: PubMed 16199547 (cited by Labcorp Genetics (formerly Invitae), Labcorp); PubMed 10712197 (cited by Labcorp Genetics (formerly Invitae), Labcorp); PubMed 23913538 (cited by Labcorp Genetics (formerly Invitae), Labcorp); PubMed 9003501 (cited by Labcorp Genetics (formerly Invitae), Labcorp); PubMed 29673180 (cited by Labcorp Genetics (formerly Invitae), Labcorp).

NM_001042492.3(NF1):c.4110+1G>T

Gene: NF1 (neurofibromin 1; plus strand). Cytogenetic location: 17q11.2.
Variant type: single nucleotide variant.
Coding change: c.4110+1G>T on transcript NM_001042492.3 (MANE Select); the canonical splice donor site of the intron after coding-DNA position 4110, G replaced by T.
Molecular consequence: splice donor variant.
Genome position (GRCh38, 1-based): chr17:31,249,120, G>T. VCF-style: chr17-31249120-G-T. GRCh37 (hg19) VCF-style: chr17-29576138-G-T.
Other names: c.4110+1G>T (NM_000267.4).
Identifiers: ClinVar variation 582401 (VCV000582401.15), dbSNP rs1555617383, ClinGen allele CA398995112.